The following is an entry in ClinVar:

ClinVar aggregate classification (germline): Uncertain significance. Review status: criteria provided, multiple submitters, no conflicts (2 of 4 stars). 2 submissions from 2 submitters: Uncertain significance (2). Last evaluated 2023-05-18.

Conditions:
Congenital muscular dystrophy due to integrin alpha-7 deficiency. Also called: MYOPATHY, CONGENITAL, DUE TO INTEGRIN ALPHA-7 DEFICIENCY; Congenital muscular dystrophy with integrin alpha-7 deficiency; Muscular dystrophy, congenital, due to ITGA7 deficiency. Identifiers: Orphanet 34520, MedGen C2750786, MONDO:0013177, OMIM 613204.

Allele frequency attached by ClinVar (database versions not stated): gnomAD 0.00001 and 0.00003; TOPMed 0.00002; gnomAD exomes 0.00010; ExAC 0.00012; 1000 Genomes Project 30x 0.00016; 1000 Genomes Project 0.00020.
gnomAD v4.1: 74 of 1,599,668 alleles (0.0046%); highest among the groups gnomAD compares: South Asian, 0.065%; no homozygotes.

Submissions (2):

Revvity Omics, Revvity
Classification: Uncertain significance for Congenital muscular dystrophy due to integrin alpha-7 deficiency. Last evaluated: 2023-05-18. Review status: criteria provided, single submitter. Criteria: ACMG Guidelines, 2015. Collection method: clinical testing. Allele origin: germline.

GeneDx
Classification: Uncertain significance. Last evaluated: 2019-06-28. Review status: criteria provided, single submitter. Criteria: GeneDx Variant Classification Process June 2021. Collection method: clinical testing. Allele origin: germline. Affected: yes.
Comment: Has not been previously published as pathogenic or benign to our knowledge; In silico analysis, which includes protein predictors and evolutionary conservation, supports a deleterious effect

NM_002206.3(ITGA7):c.1969C>T (p.Arg657Trp)

Gene: ITGA7 (integrin subunit alpha 7; minus strand). Cytogenetic location: 12q13.2.
Variant type: single nucleotide variant.
Coding change: c.1969C>T on transcript NM_002206.3 (MANE Select); coding-DNA position 1969, C replaced by T.
Protein change: p.Arg657Trp; replaces arginine 657 with tryptophan.
Molecular consequence: missense variant.
Genome position (GRCh38, 1-based): chr12:55,695,556, G>A on the plus strand (C>T on the coding strand, the complement: ITGA7 is on the minus strand). VCF-style: chr12-55695556-G-A. GRCh37 (hg19) VCF-style: chr12-56089340-G-A.
Other names: c.1981C>T, p.Arg661Trp (NM_001144996.2); c.1690C>T, p.Arg564Trp (NM_001144997.2); c.1642C>T, p.Arg548Trp (NM_001367993.1); c.625C>T, p.Arg209Trp (NM_001367994.1); c.1951C>T, p.Arg651Trp (NM_001374465.1); c.2101C>T, p.Arg701Trp (NM_001410977.1); c.1963C>T, p.Arg655Trp (NM_001414029.1); c.1894C>T, p.Arg632Trp (NM_001414030.1); and 5 more; short protein forms R209W, R548W, R564W, R651W, R657W, R661W, R701W, R544W.
Identifiers: ClinVar variation 1306724 (VCV001306724.4), dbSNP rs528020122, ClinGen allele CA6615776.